The following is an entry in ClinVar:

NM_005045.4(RELN):c.9052C>T (p.Arg3018Ter)

Genes: SLC26A5-AS1 (SLC26A5 antisense RNA 1; plus strand), RELN (reelin; minus strand). Cytogenetic location: 7q22.1.
Variant type: single nucleotide variant.
Coding change: c.9052C>T on transcript NM_005045.4 (MANE Select); coding-DNA position 9052, C replaced by T.
Protein change: p.Arg3018Ter; replaces arginine 3018 with a stop codon.
Molecular consequence: nonsense.
Genome position (GRCh38, 1-based): chr7:103,496,667, G>A on the plus strand (C>T on the coding strand, the complement: RELN is on the minus strand). VCF-style: chr7-103496667-G-A. GRCh37 (hg19) VCF-style: chr7-103137114-G-A.
Other names: c.9052C>T, p.Arg3018Ter (NM_173054.3); short protein forms R3018*.
Identifiers: ClinVar variation 1449115 (VCV001449115.6), dbSNP rs2117021067, ClinGen allele CA368751505.

ClinVar aggregate classification (germline): Pathogenic (1 of 4 stars; one submission).

Conditions:
Norman-Roberts syndrome (LIS2). Also called: Lissencephaly 2 (Norman-Roberts type). Identifiers: Orphanet 89844, MedGen C0796089, MONDO:0009760, OMIM 257320.
Familial temporal lobe epilepsy 7. Identifiers: Orphanet 101046, MedGen C4225327, MONDO:0014639, OMIM 616436.

gnomAD v4.1: 1 of 1,614,178 alleles (0.000062%); highest among the groups gnomAD compares: Non-Finnish European, 0.000085%; no homozygotes.

Submission:

Labcorp Genetics (formerly Invitae), Labcorp
Classification: Pathogenic for Familial temporal lobe epilepsy 7; Norman-Roberts syndrome. Last evaluated: 2021-04-17. Review status: criteria provided, single submitter. Criteria: Invitae Variant Classification Sherloc (09022015). Collection method: clinical testing. Allele origin: germline.
Comment: For these reasons, this variant has been classified as Pathogenic. This variant has not been reported in the literature in individuals with RELN-related conditions. This variant is not present in population databases (ExAC no frequency). This sequence change creates a premature translational stop signal (p.Arg3018*) in the RELN gene. It is expected to result in an absent or disrupted protein product. Loss-of-function variants in RELN are known to be pathogenic (PMID: 10973257, 26046367, 28454995).

Literature cited by the submitters: PubMed 10973257; PubMed 26046367; PubMed 28454995.